The following is an entry in ClinVar:

ClinVar aggregate classification (germline): Uncertain significance (1 of 4 stars; one submission).

Conditions:
Multiple congenital anomalies-hypotonia-seizures syndrome 1 (MCAHS1). Also called: PIGN-CDG; Congenital disorder of glycosylation due to PIGN deficiency; GLYCOSYLPHOSPHATIDYLINOSITOL BIOSYNTHESIS DEFECT 3. Identifiers: Orphanet 280633, MedGen C3279775, MONDO:0013563, OMIM 614080.

Allele frequency attached by ClinVar (database versions not stated): ExAC 0.00001; gnomAD 0.00001; 1000 Genomes Project 0.00020; 1000 Genomes Project 30x 0.00031.
gnomAD v4.1: 1 of 1,602,574 alleles (0.000062%); highest among the groups gnomAD compares: African/African-American, 0.0013%; no homozygotes.

Submission:

Labcorp Genetics (formerly Invitae), Labcorp
Classification: Uncertain significance for Multiple congenital anomalies-hypotonia-seizures syndrome 1. Last evaluated: 2021-11-16. Review status: criteria provided, single submitter. Criteria: Invitae Variant Classification Sherloc (09022015). Collection method: clinical testing. Allele origin: germline.
Comment: In summary, the available evidence is currently insufficient to determine the role of this variant in disease. Therefore, it has been classified as a Variant of Uncertain Significance. Algorithms developed to predict the effect of missense changes on protein structure and function are either unavailable or do not agree on the potential impact of this missense change (SIFT: "Not Available"; PolyPhen-2: "Benign"; Align-GVGD: "Not Available"). This variant has not been reported in the literature in individuals affected with PIGN-related conditions. This variant is present in population databases (rs545600957, gnomAD 0.007%). This sequence change replaces serine, which is neutral and polar, with arginine, which is basic and polar, at codon 859 of the PIGN protein (p.Ser859Arg).

NM_176787.5(PIGN):c.2577C>G (p.Ser859Arg)

Gene: PIGN (phosphatidylinositol glycan anchor biosynthesis class N; minus strand). Cytogenetic location: 18q21.33.
Variant type: single nucleotide variant.
Coding change: c.2577C>G on transcript NM_176787.5 (MANE Select); coding-DNA position 2577, C replaced by G.
Protein change: p.Ser859Arg; replaces serine 859 with arginine.
Molecular consequence: missense variant.
Genome position (GRCh38, 1-based): chr18:62,074,821, G>C on the plus strand (C>G on the coding strand, the complement: PIGN is on the minus strand). VCF-style: chr18-62074821-G-C. GRCh37 (hg19) VCF-style: chr18-59742054-G-C.
Other names: c.2577C>G, p.Ser859Arg (NM_012327.6); short protein forms S859R.
Identifiers: ClinVar variation 1499050 (VCV001499050.6), dbSNP rs545600957, ClinGen allele CA8981940.